The following is an entry in ClinVar:

NM_172107.4(KCNQ2):c.2037T>G (p.His679Gln)

Gene: KCNQ2 (potassium voltage-gated channel subfamily Q member 2; minus strand). Cytogenetic location: 20q13.33.
Variant type: single nucleotide variant.
Coding change: c.2037T>G on transcript NM_172107.4 (MANE Select); coding-DNA position 2037, T replaced by G.
Protein change: p.His679Gln; replaces histidine 679 with glutamine.
Molecular consequence: missense variant.
Genome position (GRCh38, 1-based): chr20:63,407,226, A>C on the plus strand (T>G on the coding strand, the complement: KCNQ2 is on the minus strand). VCF-style: chr20-63407226-A-C. GRCh37 (hg19) VCF-style: chr20-62038579-A-C.
Other names: c.2091T>G, p.His697Gln (NM_001382235.1); c.1953T>G, p.His651Gln (NM_004518.6); c.1983T>G, p.His661Gln (NM_172106.3); c.1944T>G, p.His648Gln (NM_172108.5); short protein forms H648Q, H651Q, H661Q, H679Q, H697Q.
Identifiers: ClinVar variation 2750950 (VCV002750950.3), dbSNP rs1162099839, ClinGen allele CA409639129.
Genomic context (GRCh38, chr20:63,407,226, plus strand): 5'-CTTCTGGCCCGTGGAGCTGCTGGAGCGCACGATCTTGACAATGCAGCCGTGCCTGTCGAC[A>C]TGCTCCCGGCTGTCTTCCGGGCTGTGGTACGGCGGCGCCGGCTCCGGCTCTTTGGCCCCA-3'
Protein context (NP_742105.1, residues 669-689): PYHSPEDSRE[His679Gln]VDRHGCIVKI

ClinVar aggregate classification (germline): Uncertain significance (1 of 4 stars; one submission).

Conditions:
Early-infantile DEE. Also called: Ohtahara syndrome; Early infantile epileptic encephalopathy; Early infantile epileptic encephalopathy with suppression bursts. Identifiers: Orphanet 1934, MedGen C0393706, MONDO:0800491.

Submission:

Labcorp Genetics (formerly Invitae), Labcorp
Classification: Uncertain significance for Early-infantile DEE. Last evaluated: 2023-09-20. Review status: criteria provided, single submitter. Criteria: Invitae Variant Classification Sherloc (09022015). Collection method: clinical testing. Allele origin: germline.
Comment: This sequence change replaces histidine, which is basic and polar, with glutamine, which is neutral and polar, at codon 679 of the KCNQ2 protein (p.His679Gln). This variant is not present in population databases (gnomAD no frequency). This variant has not been reported in the literature in individuals affected with KCNQ2-related conditions. Algorithms developed to predict the effect of missense changes on protein structure and function output the following: SIFT: "Not Available"; PolyPhen-2: "Benign"; Align-GVGD: "Not Available". The glutamine amino acid residue is found in multiple mammalian species, which suggests that this missense change does not adversely affect protein function. In summary, the available evidence is currently insufficient to determine the role of this variant in disease. Therefore, it has been classified as a Variant of Uncertain Significance.